The following is an entry in ClinVar:

ClinVar aggregate classification (germline): Uncertain significance (1 of 4 stars; one submission).

Conditions:
Hereditary cancer-predisposing syndrome. Also called: Neoplastic Syndromes, Hereditary; Tumor predisposition; Hereditary neoplastic syndrome; Hereditary Cancer Syndrome. Identifiers: Orphanet 140162, MedGen C0027672, MeSH D009386, MONDO:0015356.

Submission:

Ambry Genetics
Classification: Uncertain significance for Hereditary cancer-predisposing syndrome. Last evaluated: 2026-08-29. Review status: criteria provided, single submitter. Criteria: Ambry Variant Classification Scheme 2023. Collection method: clinical testing. Allele origin: germline.
Comment: The p.S2006C variant (also known as c.6016A>T), located in coding exon 10 of the BRCA2 gene, results from an A to T substitution at nucleotide position 6016. The serine at codon 2006 is replaced by cysteine, an amino acid with dissimilar properties. This amino acid position is conserved. In addition, this alteration is predicted to be tolerated by in silico analysis. Based on the available evidence, the clinical significance of this variant remains unclear.

NM_000059.4(BRCA2):c.6016A>T (p.Ser2006Cys)

Gene: BRCA2 (BRCA2 DNA repair associated; plus strand). Cytogenetic location: 13q13.1.
Variant type: single nucleotide variant.
Coding change: c.6016A>T on transcript NM_000059.4 (MANE Select); coding-DNA position 6016, A replaced by T.
Protein change: p.Ser2006Cys; replaces serine 2006 with cysteine.
Molecular consequence: missense variant. On other transcripts: non-coding transcript variant (1), intron variant (2).
Genome position (GRCh38, 1-based): chr13:32,340,371, A>T. VCF-style: chr13-32340371-A-T. GRCh37 (hg19) VCF-style: chr13-32914508-A-T.
Other names: c.6016A>T, p.Ser2006Cys (NM_001406719.1, NM_001406720.1, NM_001432077.1); c.1910-4187A>T (NM_001406721.1); c.425-4187A>T (NM_001406722.1); short protein forms S2006C.
Identifiers: ClinVar variation 5033361 (VCV005033361.1).